The following is an entry in ClinVar:

ClinVar aggregate classification (germline): Conflicting classifications of pathogenicity. Review status: criteria provided, conflicting classifications (1 of 4 stars). 2 submissions from 2 submitters: Uncertain significance (1); Likely benign (1). Last evaluated 2025-04-14.

Conditions:
Inborn genetic diseases. Identifiers: MedGen C0950123, MeSH D030342.
Familial cold autoinflammatory syndrome 2 (FCAS2). Identifiers: Orphanet 247868, MedGen C2673198, MONDO:0012724, OMIM 611762.

Submissions (2):

Ambry Genetics
Classification: Likely benign for Inborn genetic diseases. Last evaluated: 2025-04-14. Review status: criteria provided, single submitter. Criteria: Ambry Variant Classification Scheme 2023. Collection method: clinical testing. Allele origin: germline.

Labcorp Genetics (formerly Invitae), Labcorp
Classification: Uncertain significance for Familial cold autoinflammatory syndrome 2. Last evaluated: 2021-07-31. Review status: criteria provided, single submitter. Criteria: Invitae Variant Classification Sherloc (09022015). Collection method: clinical testing. Allele origin: germline.
Comment: In summary, the available evidence is currently insufficient to determine the role of this variant in disease. Therefore, it has been classified as a Variant of Uncertain Significance. Algorithms developed to predict the effect of sequence changes on RNA splicing suggest that this variant is not likely to affect RNA splicing. This variant has not been reported in the literature in individuals affected with NLRP12-related conditions. This variant is not present in population databases (ExAC no frequency). This sequence change affects codon 748 of the NLRP12 mRNA. It is a 'silent' change, meaning that it does not change the encoded amino acid sequence of the NLRP12 protein. It affects a nucleotide within the consensus splice site of the intron.

NM_144687.4(NLRP12):c.2244G>A (p.Arg748=)

Gene: NLRP12 (NLR family pyrin domain containing 12; minus strand). Cytogenetic location: 19q13.42.
Variant type: single nucleotide variant.
Coding change: c.2244G>A on transcript NM_144687.4 (MANE Select); coding-DNA position 2244, G replaced by A.
Protein change: p.Arg748=; no amino-acid change (arginine 748 retained).
Molecular consequence: synonymous variant.
Genome position (GRCh38, 1-based): chr19:53,805,450, C>T on the plus strand (G>A on the coding strand, the complement: NLRP12 is on the minus strand). VCF-style: chr19-53805450-C-T. GRCh37 (hg19) VCF-style: chr19-54308704-C-T.
Other names: c.2244G>A (NM_144687.2); c.2247G>A, p.Arg749= (NM_001277126.2); c.2244G>A, p.Arg748= (NM_001277129.1).
Identifiers: ClinVar variation 1371380 (VCV001371380.7), dbSNP rs2122612115, ClinGen allele CA508777260.